The following is an entry in ClinVar:

NM_024675.4(PALB2):c.2613T>A (p.Asp871Glu)

Gene: PALB2 (partner and localizer of BRCA2; minus strand). Cytogenetic location: 16p12.2.
Variant type: single nucleotide variant.
Coding change: c.2613T>A on transcript NM_024675.4 (MANE Select); coding-DNA position 2613, T replaced by A.
Protein change: p.Asp871Glu; replaces aspartic acid 871 with glutamic acid.
Molecular consequence: missense variant.
Genome position (GRCh38, 1-based): chr16:23,626,371, A>T on the plus strand (T>A on the coding strand, the complement: PALB2 is on the minus strand). VCF-style: chr16-23626371-A-T. GRCh37 (hg19) VCF-style: chr16-23637692-A-T.
Other names: short protein forms D871E.
Identifiers: ClinVar variation 480276 (VCV000480276.10), dbSNP rs1555460011, ClinGen allele CA395122208.

ClinVar aggregate classification (germline): Uncertain significance. Review status: criteria provided, multiple submitters, no conflicts (2 of 4 stars). 4 submissions from 4 submitters: Uncertain significance (4). Last evaluated 2025-07-25.

Conditions:
Hereditary cancer-predisposing syndrome. Also called: Hereditary Cancer Syndrome; Neoplastic Syndromes, Hereditary; Tumor predisposition; Hereditary neoplastic syndrome. Identifiers: Orphanet 140162, MedGen C0027672, MeSH D009386, MONDO:0015356.
Familial cancer of breast. Also called: BREAST CANCER, FAMILIAL; Hereditary breast cancer; hereditary breast carcinoma. Identifiers: Orphanet 227535, MedGen C0346153, MONDO:0016419, OMIM 114480. Disease mechanism: loss of function.

Submissions (4):

Color Diagnostics, LLC DBA Color Health
Classification: Uncertain significance for Hereditary cancer-predisposing syndrome. Last evaluated: 2025-07-25. Review status: criteria provided, single submitter. Criteria: ACMG Guidelines, 2015. Collection method: clinical testing. Allele origin: germline.
Comment: This missense variant replaces aspartic acid with glutamic acid at codon 871 of the PALB2 protein. Computational prediction suggests that this variant may not impact protein structure and function. To our knowledge, functional studies have not been reported for this variant. This variant has not been reported in individuals affected with PALB2-related disorders in the literature. This variant has not been identified in the general population by the Genome Aggregation Database (gnomAD). The available evidence is insufficient to determine the role of this variant in disease conclusively. Therefore, this variant is classified as a Variant of Uncertain Significance.

Center for Genomic Medicine, Rigshospitalet, Copenhagen University Hospital
Classification: Uncertain significance. Last evaluated: 2025-03-04. Review status: criteria provided, single submitter. Criteria: ACMG Guidelines, 2015. Collection method: clinical testing. Allele origin: germline.

Labcorp Genetics (formerly Invitae), Labcorp
Classification: Uncertain significance for Familial cancer of breast. Last evaluated: 2023-08-04. Review status: criteria provided, single submitter. Criteria: Invitae Variant Classification Sherloc (09022015). Collection method: clinical testing. Allele origin: germline.
Comment: In summary, the available evidence is currently insufficient to determine the role of this variant in disease. Therefore, it has been classified as a Variant of Uncertain Significance. Advanced modeling of protein sequence and biophysical properties (such as structural, functional, and spatial information, amino acid conservation, physicochemical variation, residue mobility, and thermodynamic stability) performed at Invitae indicates that this missense variant is expected to disrupt PALB2 protein function. ClinVar contains an entry for this variant (Variation ID: 480276). This variant has not been reported in the literature in individuals affected with PALB2-related conditions. This variant is not present in population databases (gnomAD no frequency). This sequence change replaces aspartic acid, which is acidic and polar, with glutamic acid, which is acidic and polar, at codon 871 of the PALB2 protein (p.Asp871Glu).

Ambry Genetics
Classification: Uncertain significance for Hereditary cancer-predisposing syndrome. Last evaluated: 2016-12-08. Review status: criteria provided, single submitter. Criteria: Ambry Variant Classification Scheme 2023. Collection method: clinical testing. Allele origin: germline.
Comment: The p.D871E variant (also known as c.2613T>A), located in coding exon 7 of the PALB2 gene, results from a T to A substitution at nucleotide position 2613. The aspartic acid at codon 871 is replaced by glutamic acid, an amino acid with highly similar properties. This amino acid position is well conserved in available vertebrate species. In addition, this alteration is predicted to be tolerated by in silico analysis. Since supporting evidence is limited at this time, the clinical significance of this alteration remains unclear.